The following is an entry in ClinVar:

NM_017947.4(MOCOS):c.305T>A (p.Leu102Gln)

Gene: MOCOS (molybdenum cofactor sulfurase; plus strand). Cytogenetic location: 18q12.2.
Variant type: single nucleotide variant.
Coding change: c.305T>A on transcript NM_017947.4 (MANE Select); coding-DNA position 305, T replaced by A.
Protein change: p.Leu102Gln; replaces leucine 102 with glutamine.
Molecular consequence: missense variant.
Genome position (GRCh38, 1-based): chr18:36,199,688, T>A. VCF-style: chr18-36199688-T-A. GRCh37 (hg19) VCF-style: chr18-33779651-T-A.
Other names: short protein forms L102Q.
Identifiers: ClinVar variation 1014788 (VCV001014788.9), dbSNP rs770912506, ClinGen allele CA8940399.

ClinVar aggregate classification (germline): Uncertain significance. Review status: criteria provided, multiple submitters, no conflicts (2 of 4 stars). 2 submissions from 2 submitters: Uncertain significance (2). Last evaluated 2021-12-09.

Conditions:
Xanthinuria type II. Also called: Xanthine dehydrogenase and aldehyde oxidase combined deficiency of; XDH and AOX dual deficiency. Identifiers: Orphanet 3467, Orphanet 93602, MedGen C1863688, MONDO:0011346, OMIM 603592.

Allele frequency attached by ClinVar (database versions not stated): gnomAD exomes 0.00001; TOPMed 0.00001; ExAC 0.00002.
gnomAD v4.1: 44 of 1,613,674 alleles (0.0027%); highest among the groups gnomAD compares: Non-Finnish European, 0.0034%; no homozygotes.

Submissions (2):

Fulgent Genetics
Classification: Uncertain significance for Xanthinuria type II. Last evaluated: 2021-12-09. Review status: criteria provided, single submitter. Criteria: ACMG Guidelines, 2015. Collection method: clinical testing. Allele origin: unknown.

Labcorp Genetics (formerly Invitae), Labcorp
Classification: Uncertain significance for Xanthinuria type II. Last evaluated: 2020-05-28. Review status: criteria provided, single submitter. Criteria: Invitae Variant Classification Sherloc (09022015). Collection method: clinical testing. Allele origin: germline.
Comment: In summary, the available evidence is currently insufficient to determine the role of this variant in disease. Therefore, it has been classified as a Variant of Uncertain Significance. Algorithms developed to predict the effect of missense changes on protein structure and function (SIFT, PolyPhen-2, Align-GVGD) all suggest that this variant is likely to be disruptive, but these predictions have not been confirmed by published functional studies and their clinical significance is uncertain. This variant has not been reported in the literature in individuals with MOCOS-related conditions. This variant is present in population databases (rs770912506, ExAC 0.005%). This sequence change replaces leucine with glutamine at codon 102 of the MOCOS protein (p.Leu102Gln). The leucine residue is highly conserved and there is a moderate physicochemical difference between leucine and glutamine.